The following is an entry in ClinVar:

NM_001042492.3(NF1):c.6616A>G (p.Thr2206Ala)

Gene: NF1 (neurofibromin 1; plus strand). Cytogenetic location: 17q11.2.
Variant type: single nucleotide variant.
Coding change: c.6616A>G on transcript NM_001042492.3 (MANE Select); coding-DNA position 6616, A replaced by G.
Protein change: p.Thr2206Ala; replaces threonine 2206 with alanine.
Molecular consequence: missense variant.
Genome position (GRCh38, 1-based): chr17:31,337,556, A>G. VCF-style: chr17-31337556-A-G. GRCh37 (hg19) VCF-style: chr17-29664574-A-G.
Other names: c.6553A>G, p.Thr2185Ala (NM_000267.4); short protein forms T2185A, T2206A.
Identifiers: ClinVar variation 481892 (VCV000481892.4), dbSNP rs781167415, ClinGen allele CA8487373.

ClinVar aggregate classification (germline): Uncertain significance. Review status: criteria provided, single submitter (1 of 4 stars). 2 submissions from 1 submitter: Uncertain significance (2). Last evaluated 2020-12-01.

Conditions:
Hereditary cancer-predisposing syndrome. Also called: Neoplastic Syndromes, Hereditary; Tumor predisposition; Hereditary Cancer Syndrome; Hereditary neoplastic syndrome. Identifiers: Orphanet 140162, MedGen C0027672, MeSH D009386, MONDO:0015356.
Cardiovascular phenotype. Identifiers: MedGen CN230736.

Allele frequency attached by ClinVar (database versions not stated): gnomAD exomes below 0.00001; ExAC 0.00001.
gnomAD v4.1: 4 of 1,614,102 alleles (0.00025%); highest among the groups gnomAD compares: South Asian, 0.0022%; no homozygotes.

Submissions (2):

Ambry Genetics
Classification: Uncertain significance for Cardiovascular phenotype; Hereditary cancer-predisposing syndrome. Last evaluated: 2020-12-01. Review status: criteria provided, single submitter. Criteria: Ambry Variant Classification Scheme 2023. Collection method: clinical testing. Allele origin: germline.

Ambry Genetics
Classification: Uncertain significance for Hereditary cancer-predisposing syndrome. Last evaluated: 2016-01-19. Review status: criteria provided, single submitter. Criteria: Ambry Autosomal Dominant and X-Linked criteria (10/2015). Collection method: clinical testing. Allele origin: germline. Observed: 1 variant allele.
Comment: The p.T2206A variant (also known as c.6616A>G), located in coding exon 43 of the NF1 gene, results from an A to G substitution at nucleotide position 6616. The threonine at codon 2206 is replaced by alanine, an amino acid with similar properties. This variant was not reported in population based cohorts in the following databases: Database of Single Nucleotide Polymorphisms (dbSNP), NHLBI Exome Sequencing Project (ESP), and 1000 Genomes Project. In the ESP, this variant was not observed in 6503 samples (13006 alleles) with coverage at this position. To date, this alteration has been detected with an allele frequency of approximately 0.001% (greater than 110000alleles tested) in our clinical cohort.This amino acid position is highly conserved in available vertebrate species. In addition, the in silico prediction for this alteration is inconclusive.Since supporting evidence is limited at this time, the clinical significance of this alterationremains unclear.